The following is an entry in ClinVar:

ClinVar aggregate classification (germline): Benign. Review status: criteria provided, multiple submitters, no conflicts (2 of 4 stars). 6 submissions from 6 submitters: Benign (5). 1 of the submissions does not count toward it. Last evaluated 2026-02-04.

Conditions:
Methylmalonic acidemia (MMA). Also called: Isolated Methylmalonic Acidemia. Identifiers: MedGen C0268583, MeSH C537358, MONDO:0002012, HP:0002912.
Combined malonic and methylmalonic acidemia. Identifiers: Orphanet 289504, MedGen C3280314, MONDO:0013661, OMIM 614265.

Allele frequency attached by ClinVar (database versions not stated): ESP Exome Variant Server 0.01077; TOPMed 0.01557; gnomAD 0.02239 and 0.02464; ExAC 0.03490; 1000 Genomes Project 30x 0.04560; 1000 Genomes Project 0.04992.
gnomAD v4.1: 33,721 of 1,614,024 alleles (2.1%); highest among the groups gnomAD compares: East Asian, 12%; 1,021 homozygotes.

Submissions (6):

Labcorp Genetics (formerly Invitae), Labcorp
Classification: Benign for Combined malonic and methylmalonic acidemia. Last evaluated: 2026-02-04. Review status: criteria provided, single submitter. Criteria: Invitae Variant Classification Sherloc (09022015). Collection method: clinical testing. Allele origin: germline.

Mayo Clinic Laboratories, Mayo Clinic
Classification: Benign. Last evaluated: 2023-05-05. Review status: criteria provided, single submitter. Criteria: ACMG Guidelines, 2015. Collection method: clinical testing. Allele origin: germline. Observed: 3 variant alleles.

Genome-Nilou Lab
Classification: Benign for Combined malonic and methylmalonic acidemia. Last evaluated: 2021-07-01. Review status: criteria provided, single submitter. Criteria: ACMG Guidelines, 2015. Collection method: clinical testing. Allele origin: germline. Affected: no.

GeneDx
Classification: Benign. Last evaluated: 2015-05-18. Review status: criteria provided, single submitter. Criteria: GeneDx Variant Classification (06012015). Collection method: clinical testing. Allele origin: germline. Affected: yes.
Comment: This variant is considered likely benign or benign based on one or more of the following criteria: it is a conservative change, it occurs at a poorly conserved position in the protein, it is predicted to be benign by multiple in silico algorithms, and/or has population frequency not consistent with disease.

Breakthrough Genomics
Classification: Benign. Review status: criteria provided, single submitter. Criteria: ACMG Guidelines, 2015. Collection method: not provided. Allele origin: germline. Inheritance: Unknown mechanism. Affected: yes.

Natera, Inc.
Classification: Benign for Methylmalonic acidemia. Last evaluated: 2020-09-16. Review status: no assertion criteria provided. Collection method: clinical testing. Allele origin: germline. Not counted in ClinVar's aggregate classification.

NM_001243279.3(ACSF3):c.996A>T (p.Ser332=)

Genes: ACSF3 (acyl-CoA synthetase family member 3; plus strand), LOC125177393 (P300/CBP strongly-dependent group 1 enhancer GRCh37_chr16:89180375-89181574; plus strand). Cytogenetic location: 16q24.3.
Variant type: single nucleotide variant.
Coding change: c.996A>T on transcript NM_001243279.3 (MANE Select); coding-DNA position 996, A replaced by T.
Protein change: p.Ser332=; no amino-acid change (serine 332 retained).
Molecular consequence: synonymous variant. On other transcripts: non-coding transcript variant (2).
Genome position (GRCh38, 1-based): chr16:89,114,357, A>T. VCF-style: chr16-89114357-A-T. GRCh37 (hg19) VCF-style: chr16-89180765-A-T.
Other names: p.Ser332=; c.996A>T, p.Ser332= (NM_001127214.4, NM_174917.5); c.201A>T, p.Ser67= (NM_001284316.2).
Identifiers: ClinVar variation 377431 (VCV000377431.16), dbSNP rs75591977, ClinGen allele CA8237927.